The following is an entry in ClinVar:

NC_000022.10:g.(?_40807394)_(40807931_?)dup

Gene: MRTFA (myocardin related transcription factor A; minus strand). Cytogenetic location: 22q13.1.
Variant type: Duplication.
Identifiers: ClinVar variation 1682906 (VCV001682906.4).

ClinVar aggregate classification (germline): Uncertain significance (1 of 4 stars; one submission).

Submission:

Labcorp Genetics (formerly Invitae), Labcorp
Classification: Uncertain significance. Last evaluated: 2021-07-21. Review status: criteria provided, single submitter. Criteria: Invitae Variant Classification Sherloc (09022015). Collection method: clinical testing. Allele origin: germline.
Comment: In summary, the available evidence is currently insufficient to determine the role of this variant in disease. Therefore, it has been classified as a Variant of Uncertain Significance. This variant has not been reported in the literature in individuals with MKL1-related conditions. This variant results in a copy number gain of the genomic region encompassing exon(s) 15 of the MKL1 gene. The 5' boundary is likely confined to intron 14. The 3' end of this event is unknown as it extends beyond the assayed region for this gene and therefore may encompass additional genes. As the precise location of this event is unknown, it may be in tandem or it may be located elsewhere in the genome.